The following is an entry in ClinVar:

NM_133433.4(NIPBL):c.123C>T (p.Leu41=)

Gene: NIPBL (NIPBL cohesin loading factor; plus strand). Cytogenetic location: 5p13.2.
Variant type: single nucleotide variant.
Coding change: c.123C>T on transcript NM_133433.4 (MANE Select); coding-DNA position 123, C replaced by T.
Protein change: p.Leu41=; no amino-acid change (leucine 41 retained).
Molecular consequence: synonymous variant.
Genome position (GRCh38, 1-based): chr5:36,955,530, C>T. VCF-style: chr5-36955530-C-T. GRCh37 (hg19) VCF-style: chr5-36955632-C-T.
Other names: c.123C>T (NM_133433.3); c.123C>T, p.Leu41= (NM_015384.5).
Identifiers: ClinVar variation 1592015 (VCV001592015.10), dbSNP rs774269226, ClinGen allele CA3235744.

ClinVar aggregate classification (germline): Likely benign. Review status: criteria provided, single submitter (1 of 4 stars). 2 submissions from 2 submitters: Likely benign (1). 1 of the submissions does not count toward it. Last evaluated 2021-12-03.

Conditions:
NIPBL-related disorder. Also called: NIPBL-related condition.
Cornelia de Lange syndrome 1 (CDLS1). Also called: TYPUS DEGENERATIVUS AMSTELODAMENSIS; Brachmann de Lange syndrome; NIPBL-Related Cornelia de Lange Syndrome. Identifiers: Orphanet 199, MedGen C4551851, MONDO:0007387, OMIM 122470.

Allele frequency attached by ClinVar (database versions not stated): TOPMed below 0.00001; ExAC 0.00001; gnomAD exomes 0.00001 and 0.00002.
gnomAD v4.1: 24 of 1,613,960 alleles (0.0015%); highest among the groups gnomAD compares: Middle Eastern, 0.017%; no homozygotes.

Submissions (2):

Labcorp Genetics (formerly Invitae), Labcorp
Classification: Likely benign for Cornelia de Lange syndrome 1. Last evaluated: 2021-12-03. Review status: criteria provided, single submitter. Criteria: Invitae Variant Classification Sherloc (09022015). Collection method: clinical testing. Allele origin: germline.

PreventionGenetics, part of Exact Sciences
Classification: Likely benign for NIPBL-related condition. Last evaluated: 2021-11-27. Review status: no assertion criteria provided. Collection method: clinical testing. Allele origin: germline. Not counted in ClinVar's aggregate classification.
Comment: This variant is classified as likely benign based on ACMG/AMP sequence variant interpretation guidelines (Richards et al. 2015 PMID: 25741868, with internal and published modifications).